The following is an entry in ClinVar:

NM_004145.4(MYO9B):c.5190C>T (p.Thr1730=)

Gene: MYO9B (myosin IXB; plus strand). Cytogenetic location: 19p13.11.
Variant type: single nucleotide variant.
Coding change: c.5190C>T on transcript NM_004145.4 (MANE Select); coding-DNA position 5190, C replaced by T.
Protein change: p.Thr1730=; no amino-acid change (threonine 1730 retained).
Molecular consequence: synonymous variant.
Genome position (GRCh38, 1-based): chr19:17,206,085, C>T. VCF-style: chr19-17206085-C-T. GRCh37 (hg19) VCF-style: chr19-17316894-C-T.
Other names: c.5190C>T, p.Thr1730= (NM_001130065.2).
Identifiers: ClinVar variation 3038958 (VCV003038958.2), dbSNP rs199796150, ClinGen allele CA9288464.
Genomic context (GRCh38, chr19:17,206,085, plus strand): 5'-CTCGGTGCCCATCGTGCTGGAGAAGCTCCTGGAACACGTGGAGATGCACGGCCTGTACAC[C>T]GAGGGCCTCTACCGCAAGTCGGGTGCTGCCAACCGCACTCGGGAGCTCCGGCAGGCGCTG-3'
Protein context (NP_004136.2, residues 1720-1740): LEHVEMHGLY[Thr1730=]EGLYRKSGAA

ClinVar aggregate classification (germline): Likely benign (0 of 4 stars; one submission).

Conditions:
MYO9B-related disorder. Also called: MYO9B-related condition.

Allele frequency attached by ClinVar (database versions not stated): TOPMed 0.00009; gnomAD 0.00012; ESP Exome Variant Server 0.00016; 1000 Genomes Project 0.00020; 1000 Genomes Project 30x 0.00031; ExAC 0.00046.
gnomAD v4.1: 284 of 1,608,780 alleles (0.018%); highest among the groups gnomAD compares: Non-Finnish European, 0.018%; 1 homozygote.

Submission:

PreventionGenetics, part of Exact Sciences
Classification: Likely benign for MYO9B-related condition. Last evaluated: 2019-05-24. Review status: no assertion criteria provided. Collection method: clinical testing. Allele origin: germline.
Comment: This variant is classified as likely benign based on ACMG/AMP sequence variant interpretation guidelines (Richards et al. 2015 PMID: 25741868, with internal and published modifications).